The following is an entry in ClinVar:

NC_000016.10:g.(?_89752138)_(89792547_?)del

Genes: FANCA (FA complementation group A; minus strand), LOC130059837 (ATAC-STARR-seq lymphoblastoid active region 11420; plus strand), LOC130059838 (ATAC-STARR-seq lymphoblastoid active region 11421; plus strand). Cytogenetic location: 16q24.3.
Variant type: Deletion.
Identifiers: ClinVar variation 417423 (VCV000417423.1).

ClinVar aggregate classification (germline): Pathogenic (1 of 4 stars; one submission).

Conditions:
Fanconi anemia (FA). Also called: Fanconi's anemia. Identifiers: Orphanet 84, MedGen C0015625, MeSH D005199, MONDO:0019391.

Submission:

Labcorp Genetics (formerly Invitae), Labcorp
Classification: Pathogenic for Fanconi anemia. Last evaluated: 2016-12-05. Review status: criteria provided, single submitter. Criteria: Invitae Variant Classification Sherloc (09022015). Collection method: clinical testing. Allele origin: germline.
Comment: This variant is a gross deletion of the genomic region encompassing exons 12-31 of the FANCA gene. This creates a premature translational stop signal and is expected to result in an absent or disrupted protein product. Loss-of-function variants in FANCA are known to be pathogenic. This particular variant has been reported in the literature in individuals affected with Fanconi anemia (FA) (PMID: 11344308, 10521298) and has been reported as a common cause of FA in the Afrikaner population (PMID: 11344308). For these reasons, this variant has been classified as Pathogenic.